The following is an entry in ClinVar:

NM_006180.6(NTRK2):c.67G>A (p.Val23Met)

Gene: NTRK2 (neurotrophic receptor tyrosine kinase 2; plus strand). Cytogenetic location: 9q21.33.
Variant type: single nucleotide variant.
Coding change: c.67G>A on transcript NM_006180.6 (MANE Select); coding-DNA position 67, G replaced by A.
Protein change: p.Val23Met; replaces valine 23 with methionine.
Molecular consequence: missense variant.
Genome position (GRCh38, 1-based): chr9:84,670,815, G>A. VCF-style: chr9-84670815-G-A. GRCh37 (hg19) VCF-style: chr9-87285730-G-A.
Other names: c.67G>A (NM_006180.4); c.67G>A, p.Val23Met (NM_001007097.3, NM_001018064.3, NM_001018065.2 and 19 more transcripts); short protein forms V23M.
Identifiers: ClinVar variation 2240168 (VCV002240168.6), dbSNP rs78480824, ClinGen allele CA5105400.

ClinVar aggregate classification (germline): Uncertain significance. Review status: criteria provided, multiple submitters, no conflicts (2 of 4 stars). 3 submissions from 3 submitters: Uncertain significance (3). Last evaluated 2025-04-18.

Conditions:
NTRK2-related disorder. Also called: NTRK2-related condition.
Inborn genetic diseases. Identifiers: MedGen C0950123, MeSH D030342.

Allele frequency attached by ClinVar (database versions not stated): ExAC 0.00001; gnomAD 0.00001; gnomAD exomes 0.00001; TOPMed 0.00001.
gnomAD v4.1: 19 of 1,614,028 alleles (0.0012%); highest among the groups gnomAD compares: Non-Finnish European, 0.0015%; no homozygotes.

Submissions (3):

PreventionGenetics, part of Exact Sciences
Classification: Uncertain significance for NTRK2-related condition. Last evaluated: 2025-04-18. Review status: criteria provided, single submitter. Criteria: ACMG Guidelines, 2015. Collection method: clinical testing. Allele origin: germline.
Comment: The NTRK2 c.67G>A variant is predicted to result in the amino acid substitution p.Val23Met. To our knowledge, this variant has not been reported in the literature. This variant is reported in 0.00088% of alleles in individuals of European (Non-Finnish) descent in gnomAD. At this time, the clinical significance of this variant is uncertain due to the absence of conclusive functional and genetic evidence.

Labcorp Genetics (formerly Invitae), Labcorp
Classification: Uncertain significance. Last evaluated: 2023-12-04. Review status: criteria provided, single submitter. Criteria: Invitae Variant Classification Sherloc (09022015). Collection method: clinical testing. Allele origin: germline.
Comment: This sequence change replaces valine, which is neutral and non-polar, with methionine, which is neutral and non-polar, at codon 23 of the NTRK2 protein (p.Val23Met). This variant is present in population databases (rs78480824, gnomAD 0.0009%). This variant has not been reported in the literature in individuals affected with NTRK2-related conditions. ClinVar contains an entry for this variant (Variation ID: 2240168). Algorithms developed to predict the effect of missense changes on protein structure and function output the following: SIFT: "Not Available"; PolyPhen-2: "Benign"; Align-GVGD: "Not Available". The methionine amino acid residue is found in multiple mammalian species, which suggests that this missense change does not adversely affect protein function. In summary, the available evidence is currently insufficient to determine the role of this variant in disease. Therefore, it has been classified as a Variant of Uncertain Significance.

Ambry Genetics
Classification: Uncertain significance for Inborn genetic diseases. Last evaluated: 2021-08-02. Review status: criteria provided, single submitter. Criteria: Ambry Variant Classification Scheme 2023. Collection method: clinical testing. Allele origin: germline.